The following is an entry in ClinVar:

ClinVar aggregate classification (germline): Uncertain significance (1 of 4 stars; one submission).

gnomAD v4.1: 4 of 1,613,672 alleles (0.00025%); highest among the groups gnomAD compares: Non-Finnish European, 0.00034%; no homozygotes.

Submission:

Labcorp Genetics (formerly Invitae), Labcorp
Classification: Uncertain significance. Last evaluated: 2024-05-01. Review status: criteria provided, single submitter. Criteria: Invitae Variant Classification Sherloc (09022015). Collection method: clinical testing. Allele origin: germline.
Comment: This sequence change replaces alanine, which is neutral and non-polar, with valine, which is neutral and non-polar, at codon 122 of the A4GALT protein (p.Ala122Val). This variant is not present in population databases (gnomAD no frequency). This variant has not been reported in the literature in individuals affected with A4GALT-related conditions. An algorithm developed to predict the effect of missense changes on protein structure and function (PolyPhen-2) suggests that this variant is likely to be tolerated. In summary, the available evidence is currently insufficient to determine the role of this variant in disease. Therefore, it has been classified as a Variant of Uncertain Significance.

NM_017436.7(A4GALT):c.365C>T (p.Ala122Val)

Gene: A4GALT (alpha 1,4-galactosyltransferase (P1PK blood group); minus strand). Cytogenetic location: 22q13.2.
Variant type: single nucleotide variant.
Coding change: c.365C>T on transcript NM_017436.7 (MANE Select); coding-DNA position 365, C replaced by T.
Protein change: p.Ala122Val; replaces alanine 122 with valine.
Molecular consequence: missense variant.
Genome position (GRCh38, 1-based): chr22:42,693,587, G>A on the plus strand (C>T on the coding strand, the complement: A4GALT is on the minus strand). VCF-style: chr22-42693587-G-A. GRCh37 (hg19) VCF-style: chr22-43089593-G-A.
Other names: c.365C>T, p.Ala122Val (NM_001318038.3); short protein forms A122V.
Identifiers: ClinVar variation 3712854 (VCV003712854.2).
Genomic context (GRCh38, chr22:42,693,587, plus strand): 5'-AGCATCTGGACATTCGGGAAGCAGCTCAGAAGTGAGATGCCCAGGTGCCGGGGCAGAGAG[G>A]CGTTGCCACCCGGAAGCCCTTTCATCAGGACCAGCACGTGGGATTCGGGGTGAGTTCTGG-3'
Protein context (NP_059132.1, residues 112-132): VLMKGLPGGN[Ala122Val]SLPRHLGISL